The following is an entry in ClinVar:

ClinVar aggregate classification (germline): Uncertain significance (1 of 4 stars; one submission).

Submission:

Labcorp Genetics (formerly Invitae), Labcorp
Classification: Uncertain significance. Last evaluated: 2022-07-07. Review status: criteria provided, single submitter. Criteria: Invitae Variant Classification Sherloc (09022015). Collection method: clinical testing. Allele origin: germline.
Comment: In summary, the available evidence is currently insufficient to determine the role of this variant in disease. Therefore, it has been classified as a Variant of Uncertain Significance. This sequence change replaces isoleucine, which is neutral and non-polar, with threonine, which is neutral and polar, at codon 389 of the TNFRSF11B protein (p.Ile389Thr). This variant is not present in population databases (gnomAD no frequency). This variant has not been reported in the literature in individuals affected with TNFRSF11B-related conditions. Algorithms developed to predict the effect of missense changes on protein structure and function are either unavailable or do not agree on the potential impact of this missense change (SIFT: "Deleterious"; PolyPhen-2: "Benign"; Align-GVGD: "Class C0").

NM_002546.4(TNFRSF11B):c.1166T>C (p.Ile389Thr)

Gene: TNFRSF11B (TNF receptor superfamily member 11b; minus strand). Cytogenetic location: 8q24.12.
Variant type: single nucleotide variant.
Coding change: c.1166T>C on transcript NM_002546.4 (MANE Select); coding-DNA position 1166, T replaced by C.
Protein change: p.Ile389Thr; replaces isoleucine 389 with threonine.
Molecular consequence: missense variant.
Genome position (GRCh38, 1-based): chr8:118,924,414, A>G on the plus strand (T>C on the coding strand, the complement: TNFRSF11B is on the minus strand). VCF-style: chr8-118924414-A-G. GRCh37 (hg19) VCF-style: chr8-119936653-A-G.
Other names: short protein forms I389T.
Identifiers: ClinVar variation 2014750 (VCV002014750.4), dbSNP rs1375250340, ClinGen allele CA371918299.
Genomic context (GRCh38, chr8:118,924,414, plus strand): 5'-AGCTCAATGGCCATTTCCAGTTATAAGCAGCTTATTTTTACTGATTGGACCTGGTTACCT[A>G]TCATTTCTAAAAATAACTTCTGATACAATTTGTACATTGTGAAGCTGTGAAGGAACCTGA-3'
Protein context (NP_002537.3, residues 379-399): KLYQKLFLEM[Ile389Thr]GNQVQSVKIS